The following is an entry in ClinVar:

ClinVar aggregate classification (germline): Uncertain significance (1 of 4 stars; one submission).

Conditions:
Oligodontia-cancer predisposition syndrome. Also called: TOOTH AGENESIS-COLORECTAL CANCER SYNDROME. Identifiers: Orphanet 300576, MedGen C1837750, MONDO:0012075, OMIM 608615. Disease mechanism: loss of function.

Submission:

Labcorp Genetics (formerly Invitae), Labcorp
Classification: Uncertain significance for Oligodontia-cancer predisposition syndrome. Last evaluated: 2023-06-02. Review status: criteria provided, single submitter. Criteria: Invitae Variant Classification Sherloc (09022015). Collection method: clinical testing. Allele origin: germline.
Comment: In summary, the available evidence is currently insufficient to determine the role of this variant in disease. Therefore, it has been classified as a Variant of Uncertain Significance. This variant has not been reported in the literature in individuals affected with AXIN2-related conditions. This variant is not present in population databases (gnomAD no frequency). This sequence change disrupts the translational stop signal of the AXIN2 mRNA. It is expected to extend the length of the AXIN2 protein by 33 additional amino acid residues.

NM_004655.4(AXIN2):c.2530T>C (p.Ter844Arg)

Gene: AXIN2 (axin 2; minus strand). Cytogenetic location: 17q24.1.
Variant type: single nucleotide variant.
Coding change: c.2530T>C on transcript NM_004655.4 (MANE Select); coding-DNA position 2530, T replaced by C.
Protein change: p.Ter844Arg.
Molecular consequence: stop lost.
Genome position (GRCh38, 1-based): chr17:65,529,978, A>G on the plus strand (T>C on the coding strand, the complement: AXIN2 is on the minus strand). VCF-style: chr17-65529978-A-G. GRCh37 (hg19) VCF-style: chr17-63526096-A-G.
Other names: c.2335T>C, p.Ter779Arg (NM_001363813.1).
Identifiers: ClinVar variation 2758205 (VCV002758205.3), dbSNP rs2509367503, ClinGen allele CA400674711.